The following is an entry in ClinVar:

NM_006231.4(POLE):c.1757A>C (p.Glu586Ala)

Gene: POLE (DNA polymerase epsilon, catalytic subunit; minus strand). Cytogenetic location: 12q24.33.
Variant type: single nucleotide variant.
Coding change: c.1757A>C on transcript NM_006231.4 (MANE Select); coding-DNA position 1757, A replaced by C.
Protein change: p.Glu586Ala; replaces glutamic acid 586 with alanine.
Molecular consequence: missense variant.
Genome position (GRCh38, 1-based): chr12:132,672,252, T>G on the plus strand (A>C on the coding strand, the complement: POLE is on the minus strand). VCF-style: chr12-132672252-T-G. GRCh37 (hg19) VCF-style: chr12-133248838-T-G.
Other names: short protein forms E586A.
Identifiers: ClinVar variation 2799751 (VCV002799751.3), dbSNP rs2135990465, ClinGen allele CA387356284.
Genomic context (GRCh38, chr12:132,672,252, plus strand): 5'-CTTCCTGCCTCCCTGATGGTTACCTCTTCAAAGTTGGTGACTTGCTCCACAGGCACTTTC[T>G]CCTCTTCCTCAAGGGCGTGGCGCAAGGTCTTCTCAACCCGCTGCAGCAGGAAGTCAAAGG-3'
Protein context (NP_006222.2, residues 576-596): KTLRHALEEE[Glu586Ala]KVPVEQVTNF

ClinVar aggregate classification (germline): Uncertain significance (1 of 4 stars; one submission).

Submission:

Labcorp Genetics (formerly Invitae), Labcorp
Classification: Uncertain significance. Last evaluated: 2023-09-21. Review status: criteria provided, single submitter. Criteria: Invitae Variant Classification Sherloc (09022015). Collection method: clinical testing. Allele origin: germline.
Comment: In summary, the available evidence is currently insufficient to determine the role of this variant in disease. Therefore, it has been classified as a Variant of Uncertain Significance. Advanced modeling of protein sequence and biophysical properties (such as structural, functional, and spatial information, amino acid conservation, physicochemical variation, residue mobility, and thermodynamic stability) performed at Invitae indicates that this missense variant is not expected to disrupt POLE protein function. This variant has not been reported in the literature in individuals affected with POLE-related conditions. This variant is not present in population databases (gnomAD no frequency). This sequence change replaces glutamic acid, which is acidic and polar, with alanine, which is neutral and non-polar, at codon 586 of the POLE protein (p.Glu586Ala).